The following is an entry in ClinVar:

ClinVar aggregate classification (germline): Uncertain significance (1 of 4 stars; one submission).

Conditions:
Heterotopia, periventricular, X-linked dominant (PVNH1). Also called: PERIVENTRICULAR NODULAR HETEROTOPIA 4; HETEROTOPIA, PERIVENTRICULAR, 1; PERIVENTRICULAR NODULAR HETEROTOPIA 1; X-linked periventricular heterotopia. Identifiers: Orphanet 2149, Orphanet 82004, MedGen C1848213, MONDO:0010233, OMIM 300049.
Oto-palato-digital syndrome, type II (OPD2). Also called: Otopalatodigital Syndrome, Type II; FACIOPALATOOSSEOUS SYNDROME; OPD II SYNDROME; Otopalatodigital Syndrome Type 2 (FLNA-OPD2). Identifiers: Orphanet 669, Orphanet 90652, MedGen C1844696, MONDO:0010571, OMIM 304120.
Melnick-Needles syndrome (MNS). Also called: MELNICK-NEEDLES OSTEODYSPLASTY; OSTEODYSPLASTY OF MELNICK AND NEEDLES; Melnick-Needles Syndrome (FLNA-MNS). Identifiers: Orphanet 2484, MedGen C0025237, MONDO:0010650, OMIM 309350.
Frontometaphyseal dysplasia (FMD1). Identifiers: Orphanet 1826, MedGen C0265293, MONDO:0015942.

Submission:

Labcorp Genetics (formerly Invitae), Labcorp
Classification: Uncertain significance for Oto-palato-digital syndrome, type II; Heterotopia, periventricular, X-linked dominant; Frontometaphyseal dysplasia; Melnick-Needles syndrome. Last evaluated: 2025-06-24. Review status: criteria provided, single submitter. Criteria: Invitae Variant Classification Sherloc (09022015). Collection method: clinical testing. Allele origin: germline.
Comment: This sequence change replaces glycine, which is neutral and non-polar, with serine, which is neutral and polar, at codon 583 of the FLNA protein (p.Gly583Ser). This variant is not present in population databases (gnomAD no frequency). This variant has not been reported in the literature in individuals affected with FLNA-related conditions. Invitae Evidence Modeling of protein sequence and biophysical properties (such as structural, functional, and spatial information, amino acid conservation, physicochemical variation, residue mobility, and thermodynamic stability) has been performed for this missense variant. However, the output from this modeling did not meet the statistical confidence thresholds required to predict the impact of this variant on FLNA protein function. In summary, the available evidence is currently insufficient to determine the role of this variant in disease. Therefore, it has been classified as a Variant of Uncertain Significance.

NM_001110556.2(FLNA):c.1747G>A (p.Gly583Ser)

Gene: FLNA (filamin A; minus strand). Cytogenetic location: Xq28.
Variant type: single nucleotide variant.
Coding change: c.1747G>A on transcript NM_001110556.2 (MANE Select); coding-DNA position 1747, G replaced by A.
Protein change: p.Gly583Ser; replaces glycine 583 with serine.
Molecular consequence: missense variant.
Genome position (GRCh38, 1-based): chrX:154,364,902, C>T on the plus strand (G>A on the coding strand, the complement: FLNA is on the minus strand). VCF-style: chrX-154364902-C-T. GRCh37 (hg19) VCF-style: chrX-153593270-C-T.
Other names: c.1747G>A, p.Gly583Ser (NM_001456.4); short protein forms G583S.
Identifiers: ClinVar variation 4789598 (VCV004789598.1).